The following is an entry in ClinVar:

NM_002769.5(PRSS1):c.667A>G (p.Lys223Glu)

Genes: PRSS1 (serine protease 1; plus strand), TRB (T cell receptor beta locus; plus strand). Cytogenetic location: 7q34.
Variant type: single nucleotide variant.
Coding change: c.667A>G on transcript NM_002769.5 (MANE Select); coding-DNA position 667, A replaced by G.
Protein change: p.Lys223Glu; replaces lysine 223 with glutamic acid.
Molecular consequence: missense variant. On other transcripts: non-coding transcript variant (5).
Genome position (GRCh38, 1-based): chr7:142,752,943, A>G. VCF-style: chr7-142752943-A-G. GRCh37 (hg19) VCF-style: chr7-142460794-A-G.
Other names: short protein forms K223E.
Identifiers: ClinVar variation 2621867 (VCV002621867.2), dbSNP rs2485769195, ClinGen allele CA369610786.

ClinVar aggregate classification (germline): Uncertain significance (1 of 4 stars; one submission).

Conditions:
Hereditary pancreatitis (PCTT). Also called: PRSS1-Related Hereditary Pancreatitis; Hereditary chronic pancreatitis. Identifiers: Orphanet 676, MedGen C0238339, MONDO:0008185, OMIM 167800.

Submission:

Ambry Genetics
Classification: Uncertain significance for Hereditary pancreatitis. Last evaluated: 2023-09-05. Review status: criteria provided, single submitter. Criteria: Ambry Variant Classification Scheme 2023. Collection method: clinical testing. Allele origin: germline.
Comment: The p.K223E variant (also known as c.667A>G), located in coding exon 5 of the PRSS1 gene, results from an A to G substitution at nucleotide position 667. The lysine at codon 223 is replaced by glutamic acid, an amino acid with similar properties. This amino acid position is conserved. In addition, the in silico prediction for this alteration is inconclusive. Since supporting evidence is limited at this time, the clinical significance of this alteration remains unclear.